The following is an entry in ClinVar:

NM_206933.4(USH2A):c.12081A>C (p.Gln4027His)

Gene: USH2A (usherin; minus strand). Cytogenetic location: 1q41.
Variant type: single nucleotide variant.
Coding change: c.12081A>C on transcript NM_206933.4 (MANE Select); coding-DNA position 12081, A replaced by C.
Protein change: p.Gln4027His; replaces glutamine 4027 with histidine.
Molecular consequence: missense variant.
Genome position (GRCh38, 1-based): chr1:215,680,362, T>G on the plus strand (A>C on the coding strand, the complement: USH2A is on the minus strand). VCF-style: chr1-215680362-T-G. GRCh37 (hg19) VCF-style: chr1-215853704-T-G.
Other names: short protein forms Q4027H.
Identifiers: ClinVar variation 2761612 (VCV002761612.3), dbSNP rs2464915366, ClinGen allele CA344816725.

ClinVar aggregate classification (germline): Uncertain significance (1 of 4 stars; one submission).

gnomAD v4.1: 1 of 1,613,696 alleles (0.000062%); highest among the groups gnomAD compares: Non-Finnish European, 0.000085%; no homozygotes.

Submission:

Labcorp Genetics (formerly Invitae), Labcorp
Classification: Uncertain significance. Last evaluated: 2023-09-19. Review status: criteria provided, single submitter. Criteria: Invitae Variant Classification Sherloc (09022015). Collection method: clinical testing. Allele origin: germline.
Comment: This sequence change replaces glutamine, which is neutral and polar, with histidine, which is basic and polar, at codon 4027 of the USH2A protein (p.Gln4027His). This variant is not present in population databases (gnomAD no frequency). This variant has not been reported in the literature in individuals affected with USH2A-related conditions. Advanced modeling of protein sequence and biophysical properties (such as structural, functional, and spatial information, amino acid conservation, physicochemical variation, residue mobility, and thermodynamic stability) performed at Invitae indicates that this missense variant is not expected to disrupt USH2A protein function. In summary, the available evidence is currently insufficient to determine the role of this variant in disease. Therefore, it has been classified as a Variant of Uncertain Significance.